The following is an entry in ClinVar:

NM_032043.3(BRIP1):c.1956G>A (p.Gly652=)

Gene: BRIP1 (BRCA1 interacting DNA helicase 1; minus strand). Cytogenetic location: 17q23.2.
Variant type: single nucleotide variant.
Coding change: c.1956G>A on transcript NM_032043.3 (MANE Select); coding-DNA position 1956, G replaced by A.
Protein change: p.Gly652=; no amino-acid change (glycine 652 retained).
Molecular consequence: synonymous variant.
Genome position (GRCh38, 1-based): chr17:61,776,542, C>T on the plus strand (G>A on the coding strand, the complement: BRIP1 is on the minus strand). VCF-style: chr17-61776542-C-T. GRCh37 (hg19) VCF-style: chr17-59853903-C-T.
Identifiers: ClinVar variation 1673197 (VCV001673197.10), dbSNP rs778250103, ClinGen allele CA8690614.

ClinVar aggregate classification (germline): Benign/Likely benign. Review status: criteria provided, multiple submitters, no conflicts (2 of 4 stars). 2 submissions from 2 submitters: Benign (1); Likely benign (1). Last evaluated 2025-03-17.

Conditions:
Fanconi anemia complementation group J. Also called: BRIP1-Related Fanconi Anemia. Identifiers: Orphanet 84, MedGen C1836860, MONDO:0012187, OMIM 609054.
Familial cancer of breast. Also called: hereditary breast carcinoma; BREAST CANCER, FAMILIAL; Hereditary breast cancer. Identifiers: Orphanet 227535, MedGen C0346153, MONDO:0016419, OMIM 114480. Disease mechanism: loss of function.

Allele frequency attached by ClinVar (database versions not stated): gnomAD exomes below 0.00001; ExAC 0.00001.
gnomAD v4.1: 2 of 1,614,026 alleles (0.00012%); highest among the groups gnomAD compares: East Asian, 0.0022%; no homozygotes.

Submissions (2):

Labcorp Genetics (formerly Invitae), Labcorp
Classification: Likely benign for Familial cancer of breast; Fanconi anemia complementation group J. Last evaluated: 2025-03-17. Review status: criteria provided, single submitter. Criteria: Invitae Variant Classification Sherloc (09022015). Collection method: clinical testing. Allele origin: germline.

Myriad Genetics, Inc.
Classification: Benign for Familial cancer of breast. Last evaluated: 2024-08-30. Review status: criteria provided, single submitter. Criteria: Myriad Autosomal Dominant, Autosomal Recessive and X-Linked Classification Criteria (2023). Collection method: clinical testing. Allele origin: unknown.
Comment: This variant is considered benign. This variant is a silent/synonymous amino acid change and it is not expected to impact splicing.